The following is an entry in ClinVar:

ClinVar aggregate classification (germline): Uncertain significance (1 of 4 stars; one submission).

Conditions:
Mitochondrial DNA depletion syndrome, encephalomyopathic form with methylmalonic aciduria (MTDPS5). Also called: MITOCHONDRIAL DNA DEPLETION SYNDROME, ENCEPHALOMYOPATHIC FORM, WITH OR WITHOUT METHYLMALONIC ACIDURIA, AUTOSOMAL RECESSIVE, SUCLA2-RELATED; SUCLA2-Related Mitochondrial DNA Depletion Syndrome, Encephalomyopathic Form with Methylmalonic Aciduria; Mitochondrial encephalomyopathy aminoacidopathy; Mitochondrial DNA depletion syndrome 5 (encephalomyopathic with or without methylmalonic aciduria). Identifiers: Orphanet 1933, MedGen C5980207, MONDO:0012791, OMIM 612073.

Allele frequency attached by ClinVar (database versions not stated): TOPMed 0.00001.
gnomAD v4.1: 3 of 1,613,958 alleles (0.00019%); highest among the groups gnomAD compares: Admixed American, 0.0017%; no homozygotes.

Submission:

Labcorp Genetics (formerly Invitae), Labcorp
Classification: Uncertain significance for Mitochondrial DNA depletion syndrome, encephalomyopathic form with methylmalonic aciduria. Last evaluated: 2022-03-27. Review status: criteria provided, single submitter. Criteria: Invitae Variant Classification Sherloc (09022015). Collection method: clinical testing. Allele origin: germline.
Comment: In summary, the available evidence is currently insufficient to determine the role of this variant in disease. Therefore, it has been classified as a Variant of Uncertain Significance. Algorithms developed to predict the effect of missense changes on protein structure and function are either unavailable or do not agree on the potential impact of this missense change (SIFT: "Deleterious"; PolyPhen-2: "Probably Damaging"; Align-GVGD: "Class C0"). This variant has not been reported in the literature in individuals affected with SUCLA2-related conditions. This variant is present in population databases (no rsID available, gnomAD 0.003%). This sequence change replaces glycine, which is neutral and non-polar, with valine, which is neutral and non-polar, at codon 68 of the SUCLA2 protein (p.Gly68Val).

NM_003850.3(SUCLA2):c.203G>T (p.Gly68Val)

Gene: SUCLA2 (succinate-CoA ligase ADP-forming subunit beta; minus strand). Cytogenetic location: 13q14.2.
Variant type: single nucleotide variant.
Coding change: c.203G>T on transcript NM_003850.3 (MANE Select); coding-DNA position 203, G replaced by T.
Protein change: p.Gly68Val; replaces glycine 68 with valine.
Molecular consequence: missense variant.
Genome position (GRCh38, 1-based): chr13:47,996,911, C>A on the plus strand (G>T on the coding strand, the complement: SUCLA2 is on the minus strand). VCF-style: chr13-47996911-C-A. GRCh37 (hg19) VCF-style: chr13-48571046-C-A.
Other names: short protein forms G68V.
Identifiers: ClinVar variation 2061824 (VCV002061824.4), dbSNP rs1191087490, ClinGen allele CA388153995.
Genomic context (GRCh38, chr13:47,996,911, plus strand): 5'-TTGGCAATTGCATAAGCTTCATCTGGTGACTTTGCCACATATCCTTTGGGAACGGAGACA[C>A]CAGCTTCTTGCAATAATTCCATACTCATGTATTCATGTAGTGAGAGATTCCTTTGCTGTT-3'
Protein context (NP_003841.1, residues 58-78): YMSMELLQEA[Gly68Val]VSVPKGYVAK